The following is an entry in ClinVar:

ClinVar aggregate classification (germline): Conflicting classifications of pathogenicity. Review status: criteria provided, conflicting classifications (1 of 4 stars). 17 submissions from 11 submitters: Uncertain significance (2); Benign (4); Likely benign (11). Last evaluated 2026-03-01.

Conditions:
Familial thoracic aortic aneurysm and aortic dissection (TAAD). Also called: Thoracic aortic aneurysms and dissections. Identifiers: Orphanet 91387, MedGen C4707243, MONDO:0019625.
Marfan syndrome (MFS). Also called: Marfan syndrome type 1; Marfan's syndrome; Marfan syndrome, classic; FBN1-Related Marfan Syndrome; MARFAN SYNDROME, TYPE I. Identifiers: Orphanet 284963, Orphanet 558, MedGen C0024796, MONDO:0007947, OMIM 154700.
Ectopia lentis 1, isolated, autosomal dominant (ECTOL1). Identifiers: Orphanet 1885, MedGen C3541518, MONDO:0007514, OMIM 129600.
Stiff skin syndrome (SSKS). Identifiers: Orphanet 2833, MedGen C1861456, MONDO:0008492, OMIM 184900.
Geleophysic dysplasia. Identifiers: Orphanet 2623, MedGen C3489726, MONDO:0000127.
Weill-Marchesani syndrome. Also called: WM Syndrome; Mesodermal dysmorphodystrophy congenital. Identifiers: Orphanet 3449, MedGen C0265313, MONDO:0018096.
Acromicric dysplasia (ACMICD). Also called: Acromicric skeletal dysplasia. Identifiers: Orphanet 969, MedGen C0265287, MONDO:0007055, OMIM 102370.

Allele frequency attached by ClinVar (database versions not stated): ExAC 0.00003; gnomAD exomes 0.00004 and 0.00006; TOPMed 0.00005; ESP Exome Variant Server 0.00008; gnomAD 0.00009 and 0.00011.
gnomAD v4.1: 94 of 1,613,782 alleles (0.0058%); highest among the groups gnomAD compares: Non-Finnish European, 0.0077%; no homozygotes.

Submissions (17):

CeGaT Center for Human Genetics Tuebingen
Classification: Likely benign. Last evaluated: 2026-03-01. Review status: criteria provided, single submitter. Criteria: CeGaT Center For Human Genetics Tuebingen Variant Classification Criteria Version 2. Collection method: clinical testing. Allele origin: germline. Affected: yes. Observed: 1 variant allele.
Comment: FBN1: BP4, BP7

Labcorp Genetics (formerly Invitae), Labcorp
Classification: Likely benign for Marfan syndrome; Familial thoracic aortic aneurysm and aortic dissection. Last evaluated: 2025-12-16. Review status: criteria provided, single submitter. Criteria: Invitae Variant Classification Sherloc (09022015). Collection method: clinical testing. Allele origin: germline.

Blueprint Genetics
Classification: Likely benign. Last evaluated: 2024-08-23. Review status: criteria provided, single submitter. Criteria: ACMG Guidelines, 2015. Collection method: clinical testing. Allele origin: germline.

All of Us Research Program, National Institutes of Health
Classification: Likely benign for Marfan syndrome. Last evaluated: 2023-10-02. Review status: criteria provided, single submitter. Criteria: ACMG Guidelines, 2015. Collection method: clinical testing. Allele origin: germline. Inheritance: Autosomal dominant inheritance. Observed: 15 variant alleles, 15 heterozygotes.
Comment: This study involves interpretation of variants in research participants for the purpose of population health screening. Participant phenotype was not available at the time of variant classification. Additional details can be found in publication PMID: 35346344, PMCID: PMC8962531

GeneDx
Classification: Likely benign. Last evaluated: 2020-09-17. Review status: criteria provided, single submitter. Criteria: GeneDx Variant Classification Process June 2021. Collection method: clinical testing. Allele origin: germline. Affected: yes.
Comment: This variant is associated with the following publications: (PMID: 12402346)

ARUP Laboratories, Molecular Genetics and Genomics, ARUP Laboratories
Classification: Likely benign. Last evaluated: 2020-04-04. Review status: criteria provided, single submitter. Criteria: ARUP Molecular Germline Variant Investigation Process. Collection method: clinical testing. Allele origin: germline.

Women's Health and Genetics/Laboratory Corporation of America, LabCorp
Classification: Likely benign. Last evaluated: 2019-08-28. Review status: criteria provided, single submitter. Criteria: LabCorp Variant Classification Summary - May 2015. Collection method: clinical testing. Allele origin: germline.

Color Diagnostics, LLC DBA Color Health
Classification: Likely benign for Familial thoracic aortic aneurysm and aortic dissection. Last evaluated: 2018-12-03. Review status: criteria provided, single submitter. Criteria: ACMG Guidelines, 2015. Collection method: clinical testing. Allele origin: germline.

CHEO Genetics Diagnostic Laboratory, Children's Hospital of Eastern Ontario
Classification: Likely benign for Familial thoracic aortic aneurysm and aortic dissection. Last evaluated: 2018-09-06. Review status: criteria provided, single submitter. Criteria: ACMG Guidelines, 2015. Collection method: clinical testing. Allele origin: germline.

Ambry Genetics
Classification: Likely benign for Familial thoracic aortic aneurysm and aortic dissection. Last evaluated: 2018-05-22. Review status: criteria provided, single submitter. Criteria: Ambry Variant Classification Scheme 2023. Collection method: clinical testing. Allele origin: germline.

Illumina Laboratory Services, Illumina
Classification: Benign for Geleophysic dysplasia. Last evaluated: 2017-04-27. Review status: criteria provided, single submitter. Criteria: ICSL Variant Classification Criteria 13 December 2019. Collection method: clinical testing. Allele origin: germline.
Comment: This variant was observed as part of a predisposition screen in an ostensibly healthy population. A literature search was performed for the gene, cDNA change, and amino acid change (where applicable). No publications were found based on this search. Allele frequency data from public databases was too high to be consistent with this variant causing disease. Therefore, this variant is classified as benign.

Illumina Laboratory Services, Illumina
Classification: Uncertain significance for Familial thoracic aortic aneurysm and aortic dissection. Last evaluated: 2017-04-27. Review status: criteria provided, single submitter. Criteria: ICSL Variant Classification Criteria 13 December 2019. Collection method: clinical testing. Allele origin: germline.

Illumina Laboratory Services, Illumina
Classification: Uncertain significance for Marfan syndrome. Last evaluated: 2017-04-27. Review status: criteria provided, single submitter. Criteria: ICSL Variant Classification Criteria 13 December 2019. Collection method: clinical testing. Allele origin: germline.
Comment: This variant was observed as part of a predisposition screen in an ostensibly healthy population. A literature search was performed for the gene, cDNA change, and amino acid change (where applicable). Publications were found based on this search. However, the evidence from the literature, in combination with allele frequency data from public databases where available, was not sufficient to rule this variant in or out of causing disease. Therefore, this variant is classified as a variant of unknown significance.

Illumina Laboratory Services, Illumina
Classification: Likely benign for Weill-Marchesani syndrome. Last evaluated: 2017-04-27. Review status: criteria provided, single submitter. Criteria: ICSL Variant Classification Criteria 13 December 2019. Collection method: clinical testing. Allele origin: germline.
Comment: This variant was observed as part of a predisposition screen in an ostensibly healthy population. A literature search was performed for the gene, cDNA change, and amino acid change (where applicable). No publications were found based on this search. Allele frequency data from public databases allowed determination this variant is unlikely to cause disease. Therefore, this variant is classified as likely benign.

Illumina Laboratory Services, Illumina
Classification: Benign for Ectopia lentis 1, isolated, autosomal dominant. Last evaluated: 2017-04-27. Review status: criteria provided, single submitter. Criteria: ICSL Variant Classification Criteria 13 December 2019. Collection method: clinical testing. Allele origin: germline.
Comment: the same text as in the submission from Illumina Laboratory Services, Illumina above.

Illumina Laboratory Services, Illumina
Classification: Benign for Acromicric dysplasia. Last evaluated: 2017-04-27. Review status: criteria provided, single submitter. Criteria: ICSL Variant Classification Criteria 13 December 2019. Collection method: clinical testing. Allele origin: germline.
Comment: the same text as in the submission from Illumina Laboratory Services, Illumina above.

Illumina Laboratory Services, Illumina
Classification: Benign for Stiff skin syndrome. Last evaluated: 2017-04-27. Review status: criteria provided, single submitter. Criteria: ICSL Variant Classification Criteria 13 December 2019. Collection method: clinical testing. Allele origin: germline.
Comment: the same text as in the submission from Illumina Laboratory Services, Illumina above.

Literature cited by the submitters: PubMed 12402346 (cited by Illumina Laboratory Services, Illumina).

NM_000138.5(FBN1):c.1821T>C (p.Asp607=)

Gene: FBN1 (fibrillin 1; minus strand). Cytogenetic location: 15q21.1.
Variant type: single nucleotide variant.
Coding change: c.1821T>C on transcript NM_000138.5 (MANE Select); coding-DNA position 1821, T replaced by C.
Protein change: p.Asp607=; no amino-acid change (aspartic acid 607 retained).
Molecular consequence: synonymous variant.
Genome position (GRCh38, 1-based): chr15:48,508,598, A>G on the plus strand (T>C on the coding strand, the complement: FBN1 is on the minus strand). VCF-style: chr15-48508598-A-G. GRCh37 (hg19) VCF-style: chr15-48800795-A-G.
Identifiers: ClinVar variation 377858 (VCV000377858.36), dbSNP rs149133920, ClinGen allele CA045942.